The following is an entry in ClinVar:

NM_052947.4(ALPK2):c.5305G>C (p.Glu1769Gln)

Genes: ALPK2 (alpha kinase 2; minus strand), LOC130062577 (ATAC-STARR-seq lymphoblastoid active region 13389; plus strand). Cytogenetic location: 18q21.31.
Variant type: single nucleotide variant.
Coding change: c.5305G>C on transcript NM_052947.4 (MANE Select); coding-DNA position 5305, G replaced by C.
Protein change: p.Glu1769Gln; replaces glutamic acid 1769 with glutamine.
Molecular consequence: missense variant.
Genome position (GRCh38, 1-based): chr18:58,534,882, C>G on the plus strand (G>C on the coding strand, the complement: ALPK2 is on the minus strand). VCF-style: chr18-58534882-C-G. GRCh37 (hg19) VCF-style: chr18-56202114-C-G.
Other names: short protein forms E1769Q.
Identifiers: ClinVar variation 2561813 (VCV002561813.2), dbSNP rs1292774850, ClinGen allele CA402557122.

ClinVar aggregate classification (germline): Uncertain significance (1 of 4 stars; one submission).

Allele frequency attached by ClinVar (database versions not stated): gnomAD exomes below 0.00001; gnomAD 0.00001.
gnomAD v4.1: 3 of 1,613,568 alleles (0.00019%); highest among the groups gnomAD compares: African/African-American, 0.0027%; no homozygotes.

Submission:

Ambry Genetics
Classification: Uncertain significance. Last evaluated: 2023-05-25. Review status: criteria provided, single submitter. Criteria: Ambry Variant Classification Scheme 2023. Collection method: clinical testing. Allele origin: germline.
Comment: The p.E1769Q variant (also known as c.5305G>C), located in coding exon 4 of the ALPK2 gene, results from a G to C substitution at nucleotide position 5305. The glutamic acid at codon 1769 is replaced by glutamine, an amino acid with highly similar properties. This amino acid position is conserved. In addition, this alteration is predicted to be tolerated by in silico analysis. Since supporting evidence is limited at this time, the clinical significance of this alteration remains unclear.